The following is an entry in ClinVar:

ClinVar aggregate classification (germline): Uncertain significance (1 of 4 stars; one submission).

Submission:

Labcorp Genetics (formerly Invitae), Labcorp
Classification: Uncertain significance. Last evaluated: 2025-12-08. Review status: criteria provided, single submitter. Criteria: Invitae Variant Classification Sherloc (09022015). Collection method: clinical testing. Allele origin: germline.
Comment: This sequence change replaces asparagine, which is neutral and polar, with threonine, which is neutral and polar, at codon 285 of the KRT14 protein (p.Asn285Thr). This variant is not present in population databases (gnomAD no frequency). This variant has not been reported in the literature in individuals affected with KRT14-related conditions. ClinVar contains an entry for this variant (Variation ID: 1717155). Invitae Evidence Modeling of protein sequence and biophysical properties (such as structural, functional, and spatial information, amino acid conservation, physicochemical variation, residue mobility, and thermodynamic stability) indicates that this missense variant is not expected to disrupt KRT14 protein function with a negative predictive value of 80%. In summary, the available evidence is currently insufficient to determine the role of this variant in disease. Therefore, it has been classified as a Variant of Uncertain Significance.

NM_000526.5(KRT14):c.854A>C (p.Asn285Thr)

Gene: KRT14 (keratin 14; minus strand). Cytogenetic location: 17q21.2.
Variant type: single nucleotide variant.
Coding change: c.854A>C on transcript NM_000526.5 (MANE Select); coding-DNA position 854, A replaced by C.
Protein change: p.Asn285Thr; replaces asparagine 285 with threonine.
Molecular consequence: missense variant.
Genome position (GRCh38, 1-based): chr17:41,583,833, T>G on the plus strand (A>C on the coding strand, the complement: KRT14 is on the minus strand). VCF-style: chr17-41583833-T-G. GRCh37 (hg19) VCF-style: chr17-39740085-T-G.
Other names: short protein forms N285T.
Identifiers: ClinVar variation 1717155 (VCV001717155.5), dbSNP rs2508732965, ClinGen allele CA399477442.